The following is an entry in ClinVar:

ClinVar aggregate classification (germline): Uncertain significance. Review status: criteria provided, multiple submitters, no conflicts (2 of 4 stars). 3 submissions from 3 submitters: Uncertain significance (3). Last evaluated 2025-05-20.

Conditions:
Glucocorticoid-remediable aldosteronism. Also called: ACTH-DEPENDENT HYPERALDOSTERONISM SYNDROME; ALDOSTERONISM, SENSITIVE TO DEXAMETHASONE; FH I; GLUCOCORTICOID-SUPPRESSIBLE HYPERALDOSTERONISM; Hyperaldosteronism, familial, type I. Identifiers: Orphanet 403, MedGen C3838731, MONDO:0007080, OMIM 103900.
Deficiency of steroid 11-beta-monooxygenase (CYP11B1). Also called: ADRENAL HYPERPLASIA, CONGENITAL, DUE TO STEROID 11-BETA-HYDROXYLASE DEFICIENCY; 11-BETA-HYDROXYLASE DEFICIENCY; P450C11B1 DEFICIENCY; STEROID 11-BETA-HYDROXYLASE DEFICIENCY; Congenital adrenal hyperplasia due to 11-beta-hydroxylase deficiency; ADRENAL HYPERPLASIA IV. Identifiers: Orphanet 90795, MedGen C0268292, MONDO:0008729, OMIM 202010. Disease mechanism: loss of function.
Inborn genetic diseases. Identifiers: MedGen C0950123, MeSH D030342.

gnomAD v4.1: 2 of 1,614,242 alleles (0.00012%); highest among the groups gnomAD compares: South Asian, 0.0011%; no homozygotes.

Submissions (3):

Women's Health and Genetics/Laboratory Corporation of America, LabCorp
Classification: Uncertain significance. Last evaluated: 2025-05-20. Review status: criteria provided, single submitter. Criteria: LabCorp Variant Classification Summary - May 2015. Collection method: clinical testing. Allele origin: germline.
Comment: Variant summary: CYP11B1 c.172G>A (p.Glu58Lys) results in a conservative amino acid change in the encoded protein sequence. Algorithms developed to predict the effect of missense changes on protein structure and function are either unavailable or do not agree on the potential impact of this missense change. The variant allele was found at a frequency of 4e-06 in 251420 control chromosomes (gnomAD). The available data on variant occurrences in the general population are insufficient to allow any conclusion about variant significance. To our knowledge, no occurrence of c.172G>A in individuals affected with Congenital Adrenal Hyperplasia and no experimental evidence demonstrating its impact on protein function have been reported. ClinVar contains an entry for this variant (Variation ID: 3499027). Based on the evidence outlined above, the variant was classified as uncertain significance.

Ambry Genetics
Classification: Uncertain significance for Inborn genetic diseases. Last evaluated: 2024-10-12. Review status: criteria provided, single submitter. Criteria: Ambry Variant Classification Scheme 2023. Collection method: clinical testing. Allele origin: germline.

Fulgent Genetics
Classification: Uncertain significance for Glucocorticoid-remediable aldosteronism; Deficiency of steroid 11-beta-monooxygenase. Last evaluated: 2024-06-14. Review status: criteria provided, single submitter. Criteria: ACMG Guidelines, 2015. Collection method: clinical testing. Allele origin: germline.

NM_000497.4(CYP11B1):c.172G>A (p.Glu58Lys)

Gene: CYP11B1 (cytochrome P450 family 11 subfamily B member 1; minus strand). Cytogenetic location: 8q24.3.
Variant type: single nucleotide variant.
Coding change: c.172G>A on transcript NM_000497.4 (MANE Select); coding-DNA position 172, G replaced by A.
Protein change: p.Glu58Lys; replaces glutamic acid 58 with lysine.
Molecular consequence: missense variant.
Genome position (GRCh38, 1-based): chr8:142,879,642, C>T on the plus strand (G>A on the coding strand, the complement: CYP11B1 is on the minus strand). VCF-style: chr8-142879642-C-T. GRCh37 (hg19) VCF-style: chr8-143961058-C-T.
Other names: c.172G>A, p.Glu58Lys (NM_001026213.1); short protein forms E58K.
Identifiers: ClinVar variation 3499027 (VCV003499027.3).